The following is an entry in ClinVar:

NM_000702.4(ATP1A2):c.671C>A (p.Thr224Asn)

Genes: ATP1A2 (ATPase Na+/K+ transporting subunit alpha 2; plus strand), LOC126805890 (CDK7 strongly-dependent group 2 enhancer GRCh37_chr1:160093987-160095186; plus strand). Cytogenetic location: 1q23.2.
Variant type: single nucleotide variant.
Coding change: c.671C>A on transcript NM_000702.4 (MANE Select); coding-DNA position 671, C replaced by A.
Protein change: p.Thr224Asn; replaces threonine 224 with asparagine.
Molecular consequence: missense variant.
Genome position (GRCh38, 1-based): chr1:160,125,176, C>A. VCF-style: chr1-160125176-C-A. GRCh37 (hg19) VCF-style: chr1-160094966-C-A.
Other names: short protein forms T224N.
Identifiers: ClinVar variation 2691439 (VCV002691439.3), dbSNP rs1230517801, ClinGen allele CA343235276.

ClinVar aggregate classification (germline): Uncertain significance. Review status: criteria provided, multiple submitters, no conflicts (2 of 4 stars). 2 submissions from 2 submitters: Uncertain significance (2). Last evaluated 2025-01-13.

Conditions:
Familial hemiplegic migraine. Identifiers: MedGen C0338484, MONDO:0000700.

Allele frequency attached by ClinVar (database versions not stated): gnomAD 0.00001; gnomAD exomes 0.00001; TOPMed 0.00002.
gnomAD v4.1: 9 of 1,613,986 alleles (0.00056%); highest among the groups gnomAD compares: Admixed American, 0.0017%; no homozygotes.

Submissions (2):

Labcorp Genetics (formerly Invitae), Labcorp
Classification: Uncertain significance for Familial hemiplegic migraine. Last evaluated: 2025-01-13. Review status: criteria provided, single submitter. Criteria: Invitae Variant Classification Sherloc (09022015). Collection method: clinical testing. Allele origin: germline.
Comment: This sequence change replaces threonine, which is neutral and polar, with asparagine, which is neutral and polar, at codon 224 of the ATP1A2 protein (p.Thr224Asn). This variant is not present in population databases (gnomAD no frequency). This variant has not been reported in the literature in individuals affected with ATP1A2-related conditions. ClinVar contains an entry for this variant (Variation ID: 2691439). Invitae Evidence Modeling of protein sequence and biophysical properties (such as structural, functional, and spatial information, amino acid conservation, physicochemical variation, residue mobility, and thermodynamic stability) indicates that this missense variant is not expected to disrupt ATP1A2 protein function with a negative predictive value of 80%. In summary, the available evidence is currently insufficient to determine the role of this variant in disease. Therefore, it has been classified as a Variant of Uncertain Significance.

Women's Health and Genetics/Laboratory Corporation of America, LabCorp
Classification: Uncertain significance. Last evaluated: 2023-12-28. Review status: criteria provided, single submitter. Criteria: LabCorp Variant Classification Summary - May 2015. Collection method: clinical testing. Allele origin: germline.
Comment: Variant summary: ATP1A2 c.671C>A (p.Thr224Asn) results in a non-conservative amino acid change in the encoded protein sequence. Four of five in-silico tools predict a damaging effect of the variant on protein function. The variant was absent in 251312 control chromosomes (gnomAD v2.1). The available data on variant occurrences in the general population are insufficient to allow any conclusion about variant significance. To our knowledge, no occurrence of c.671C>A in individuals affected with Alternating Hemiplegia Of Childhood 1 and no experimental evidence demonstrating its impact on protein function have been reported. No submitters have cited clinical-significance assessments for this variant to ClinVar after 2014. Based on the evidence outlined above, the variant was classified as uncertain significance.